The following is an entry in ClinVar:

ClinVar aggregate classification (germline): Uncertain significance (1 of 4 stars; one submission).

Conditions:
Catecholaminergic polymorphic ventricular tachycardia (CVPT). Also called: Catecholamine-induced polymorphic ventricular tachycardia. Identifiers: Orphanet 3286, MedGen C5574922, MONDO:0017990.

Allele frequency attached by ClinVar (database versions not stated): gnomAD exomes below 0.00001.
gnomAD v4.1: 2 of 1,601,128 alleles (0.00012%); highest among the groups gnomAD compares: Non-Finnish European, 0.00017%; no homozygotes.

Submission:

All of Us Research Program, National Institutes of Health
Classification: Uncertain significance for Catecholaminergic polymorphic ventricular tachycardia. Last evaluated: 2023-08-15. Review status: criteria provided, single submitter. Criteria: ACMG Guidelines, 2015. Collection method: clinical testing. Allele origin: germline. Inheritance: Autosomal dominant inheritance. Observed: 1 variant allele, 1 heterozygote.
Comment: This variant causes a C to T nucleotide substitution at the +5 position of intron 67 of the RYR2 gene. To our knowledge, functional studies have not been reported for this variant. This variant has not been reported in individuals affected with RYR2-related disorders in the literature. This variant has not been identified in the general population by the Genome Aggregation Database (gnomAD). The available evidence is insufficient to determine the role of this variant in disease conclusively. Therefore, this variant is classified as a Variant of Uncertain Significance.

This study involves interpretation of variants in research participants for the purpose of population health screening. Participant phenotype was not available at the time of variant classification. Additional details can be found in publication PMID: 35346344, PMCID: PMC8962531

NM_001035.3(RYR2):c.9580+5C>T

Gene: RYR2 (ryanodine receptor 2; plus strand). Cytogenetic location: 1q43.
Variant type: single nucleotide variant.
Coding change: c.9580+5C>T on transcript NM_001035.3 (MANE Select); 5 bases into the intron after coding-DNA position 9580, C replaced by T.
Molecular consequence: intron variant.
Genome position (GRCh38, 1-based): chr1:237,705,348, C>T. VCF-style: chr1-237705348-C-T. GRCh37 (hg19) VCF-style: chr1-237868648-C-T.
Identifiers: ClinVar variation 3072919 (VCV003072919.1), dbSNP rs1423686606, ClinGen allele CA529545050.